The following is an entry in ClinVar:

NM_003995.4(NPR2):c.1172A>C (p.Asp391Ala)

Gene: NPR2 (natriuretic peptide receptor 2; plus strand). Cytogenetic location: 9p13.3.
Variant type: single nucleotide variant.
Coding change: c.1172A>C on transcript NM_003995.4 (MANE Select); coding-DNA position 1172, A replaced by C.
Protein change: p.Asp391Ala; replaces aspartic acid 391 with alanine.
Molecular consequence: missense variant.
Genome position (GRCh38, 1-based): chr9:35,800,437, A>C. VCF-style: chr9-35800437-A-C. GRCh37 (hg19) VCF-style: chr9-35800434-A-C.
Other names: c.1172A>C, p.Asp391Ala (NM_001378923.1); short protein forms D391A.
Identifiers: ClinVar variation 3766366 (VCV003766366.1).

ClinVar aggregate classification (germline): Uncertain significance (1 of 4 stars; one submission).

gnomAD v4.1: 1 of 1,614,120 alleles (0.000062%); highest among the groups gnomAD compares: Non-Finnish European, 0.000085%; no homozygotes.

Submission:

GeneDx
Classification: Uncertain significance. Last evaluated: 2024-08-29. Review status: criteria provided, single submitter. Criteria: GeneDx Variant Classification Process June 2021. Collection method: clinical testing. Allele origin: germline. Affected: yes.
Comment: Not observed at significant frequency in large population cohorts (gnomAD); In silico analysis supports that this missense variant has a deleterious effect on protein structure/function; Has not been previously published as pathogenic or benign to our knowledge